The following is an entry in ClinVar:

NM_000038.6(APC):c.1450G>C (p.Glu484Gln)

Gene: APC (APC regulator of Wnt signaling pathway; plus strand). Cytogenetic location: 5q22.2.
Variant type: single nucleotide variant.
Coding change: c.1450G>C on transcript NM_000038.6 (MANE Select); coding-DNA position 1450, G replaced by C.
Protein change: p.Glu484Gln; replaces glutamic acid 484 with glutamine.
Molecular consequence: missense variant.
Genome position (GRCh38, 1-based): chr5:112,827,149, G>C. VCF-style: chr5-112827149-G-C. GRCh37 (hg19) VCF-style: chr5-112162846-G-C.
Other names: p.E484Q:GAA>CAA; c.1450G>C, p.Glu484Gln (NM_001127510.3, NM_001354895.2); c.1396G>C, p.Glu466Gln (NM_001127511.3); c.1504G>C, p.Glu502Gln (NM_001354896.2); c.1480G>C, p.Glu494Gln (NM_001354897.2); c.1375G>C, p.Glu459Gln (NM_001354898.2); c.1366G>C, p.Glu456Gln (NM_001354899.2); c.1327G>C, p.Glu443Gln (NM_001354900.2); and 6 more; short protein forms E466Q, E484Q, E201Q, E358Q, E393Q, E494Q, E383Q, E456Q.
Identifiers: ClinVar variation 181789 (VCV000181789.20), dbSNP rs730881237, ClinGen allele CA005161.

ClinVar aggregate classification (germline): Uncertain significance. Review status: criteria provided, multiple submitters, no conflicts (2 of 4 stars). 6 submissions from 6 submitters: Uncertain significance (6). Last evaluated 2025-12-21.

Conditions:
Classic or attenuated familial adenomatous polyposis. Identifiers: MedGen CN372698, MONDO:0021057.
Familial adenomatous polyposis 1 (FAP1). Also called: POLYPOSIS, ADENOMATOUS INTESTINAL; FAMILIAL ADENOMATOUS POLYPOSIS 1, ATTENUATED. Identifiers: MedGen C2713442, MONDO:0021056, OMIM 175100. Disease mechanism: loss of function.
Hereditary cancer-predisposing syndrome. Also called: Tumor predisposition; Hereditary neoplastic syndrome; Neoplastic Syndromes, Hereditary; Hereditary Cancer Syndrome. Identifiers: Orphanet 140162, MedGen C0027672, MeSH D009386, MONDO:0015356.

Allele frequency attached by ClinVar (database versions not stated): gnomAD exomes below 0.00001; TOPMed below 0.00001.
gnomAD v4.1: 5 of 1,613,736 alleles (0.00031%); highest among the groups gnomAD compares: Non-Finnish European, 0.00042%; no homozygotes.

Submissions (6):

Ambry Genetics
Classification: Uncertain significance for Hereditary cancer-predisposing syndrome. Last evaluated: 2025-12-21. Review status: criteria provided, single submitter. Criteria: Ambry Variant Classification Scheme 2023. Collection method: clinical testing. Allele origin: germline.
Comment: The p.E484Q variant (also known as c.1450G>C), located in coding exon 11 of the APC gene, results from a G to C substitution at nucleotide position 1450. The glutamic acid at codon 484 is replaced by glutamine, an amino acid with highly similar properties. This amino acid position is highly conserved in available vertebrate species. In addition, in silico predictors for this gene do not accurately predict pathogenicity. Since supporting evidence is limited at this time, the clinical significance of this alteration remains unclear.

GeneDx
Classification: Uncertain significance. Last evaluated: 2025-06-30. Review status: criteria provided, single submitter. Criteria: GeneDx Variant Classification Process June 2021. Collection method: clinical testing. Allele origin: germline. Affected: yes.
Comment: Not observed at significant frequency in large population cohorts (gnomAD); In silico analysis suggests that this missense variant does not alter protein structure/function; Has not been previously published as pathogenic or benign to our knowledge; This variant is associated with the following publications: (PMID: 18199528)

Labcorp Genetics (formerly Invitae), Labcorp
Classification: Uncertain significance for Familial adenomatous polyposis 1. Last evaluated: 2024-12-05. Review status: criteria provided, single submitter. Criteria: Invitae Variant Classification Sherloc (09022015). Collection method: clinical testing. Allele origin: germline.
Comment: This sequence change replaces glutamic acid, which is acidic and polar, with glutamine, which is neutral and polar, at codon 484 of the APC protein (p.Glu484Gln). This variant is present in population databases (rs730881237, gnomAD 0.0009%). This variant has not been reported in the literature in individuals affected with APC-related conditions. ClinVar contains an entry for this variant (Variation ID: 181789). Invitae Evidence Modeling of protein sequence and biophysical properties (such as structural, functional, and spatial information, amino acid conservation, physicochemical variation, residue mobility, and thermodynamic stability) indicates that this missense variant is not expected to disrupt APC protein function with a negative predictive value of 95%. In summary, the available evidence is currently insufficient to determine the role of this variant in disease. Therefore, it has been classified as a Variant of Uncertain Significance.

All of Us Research Program, National Institutes of Health
Classification: Uncertain significance for Classic or attenuated familial adenomatous polyposis. Last evaluated: 2024-07-15. Review status: criteria provided, single submitter. Criteria: ACMG Guidelines, 2015. Collection method: clinical testing. Allele origin: germline. Inheritance: Autosomal dominant inheritance. Observed: 1 variant allele, 1 heterozygote.
Comment: This study involves interpretation of variants in research participants for the purpose of population health screening. Participant phenotype was not available at the time of variant classification. Additional details can be found in publication PMID: 35346344, PMCID: PMC8962531

Baylor Genetics
Classification: Uncertain significance for Familial adenomatous polyposis 1. Last evaluated: 2023-09-20. Review status: criteria provided, single submitter. Criteria: ACMG Guidelines, 2015. Collection method: clinical testing. Allele origin: unknown.

Color Diagnostics, LLC DBA Color Health
Classification: Uncertain significance for Hereditary cancer-predisposing syndrome. Last evaluated: 2019-02-10. Review status: criteria provided, single submitter. Criteria: ACMG Guidelines, 2015. Collection method: clinical testing. Allele origin: germline.